The following is an entry in ClinVar:

NM_020461.4(TUBGCP6):c.962A>C (p.Asp321Ala)

Gene: TUBGCP6 (tubulin gamma complex component 6; minus strand). Cytogenetic location: 22q13.33.
Variant type: single nucleotide variant.
Coding change: c.962A>C on transcript NM_020461.4 (MANE Select); coding-DNA position 962, A replaced by C.
Protein change: p.Asp321Ala; replaces aspartic acid 321 with alanine.
Molecular consequence: missense variant.
Genome position (GRCh38, 1-based): chr22:50,233,470, T>G on the plus strand (A>C on the coding strand, the complement: TUBGCP6 is on the minus strand). VCF-style: chr22-50233470-T-G. GRCh37 (hg19) VCF-style: chr22-50671899-T-G.
Other names: short protein forms D321A.
Identifiers: ClinVar variation 1434395 (VCV001434395.8), dbSNP rs372425646, ClinGen allele CA412110217.

ClinVar aggregate classification (germline): Uncertain significance (1 of 4 stars; one submission).

Allele frequency attached by ClinVar (database versions not stated): gnomAD exomes below 0.00001.

Submission:

Labcorp Genetics (formerly Invitae), Labcorp
Classification: Uncertain significance. Last evaluated: 2021-06-19. Review status: criteria provided, single submitter. Criteria: Invitae Variant Classification Sherloc (09022015). Collection method: clinical testing. Allele origin: germline.
Comment: This variant is not present in population databases (ExAC no frequency). In summary, the available evidence is currently insufficient to determine the role of this variant in disease. Therefore, it has been classified as a Variant of Uncertain Significance. Algorithms developed to predict the effect of missense changes on protein structure and function are either unavailable or do not agree on the potential impact of this missense change (SIFT: "Tolerated"; PolyPhen-2: "Possibly Damaging"; Align-GVGD: "Class C0"). This variant has not been reported in the literature in individuals with TUBGCP6-related conditions. This sequence change replaces aspartic acid with alanine at codon 321 of the TUBGCP6 protein (p.Asp321Ala). The aspartic acid residue is moderately conserved and there is a moderate physicochemical difference between aspartic acid and alanine.